The following is an entry in ClinVar:

ClinVar aggregate classification (germline): Pathogenic (1 of 4 stars; one submission).

Conditions:
LAMA2-related muscular dystrophy (LAMA2-RD). Also called: Laminin alpha 2-related dystrophy. Identifiers: MedGen C5679788, MONDO:0100228.

Submission:

Myriad Genetics, Inc.
Classification: Pathogenic for LAMA2-related muscular dystrophy. Last evaluated: 2026-05-26. Review status: criteria provided, single submitter. Criteria: Myriad Autosomal Dominant, Autosomal Recessive and X-Linked Classification Criteria (2023). Collection method: clinical testing. Allele origin: unknown.
Comment: NM_000426.3(LAMA2):c.2413C>T(Q805*) is expected to be pathogenic in the context of muscular dystrophy, LAMA2-related. This variant is predicted to lead to an abnormal or absent protein product due to the creation of a premature termination codon in LAMA2, a gene where loss-of-function variants are known to be pathogenic. Please note: this variant was assessed in the context of healthy population screening.

NM_000426.4(LAMA2):c.2413C>T (p.Gln805Ter)

Gene: LAMA2 (laminin subunit alpha 2; plus strand). Cytogenetic location: 6q22.33.
Variant type: single nucleotide variant.
Coding change: c.2413C>T on transcript NM_000426.4 (MANE Select); coding-DNA position 2413, C replaced by T.
Protein change: p.Gln805Ter; replaces glutamine 805 with a stop codon.
Molecular consequence: nonsense.
Genome position (GRCh38, 1-based): chr6:129,270,714, C>T. VCF-style: chr6-129270714-C-T. GRCh37 (hg19) VCF-style: chr6-129591859-C-T.
Other names: c.2413C>T, p.Gln805Ter (NM_001079823.2); short protein forms Q805*.
Identifiers: ClinVar variation 5015958 (VCV005015958.1).
Genomic context (GRCh38, chr6:129,270,714, plus strand): 5'-TGTGATAAATGTCTTCCTGGTTTCTATGGCGAGCCTACTAAAGGAACCTCTGAAGACTGT[C>T]AACCCTGTGCCTGTCCACTCAATATCCCATCCAATAAGTAAGTAACAAACTTACCCCATG-3'